The following is an entry in ClinVar:

ClinVar aggregate classification (germline): Uncertain significance. Review status: criteria provided, multiple submitters, no conflicts (2 of 4 stars). 2 submissions from 2 submitters: Uncertain significance (2). Last evaluated 2026-01-14.

Conditions:
Epidermolysis bullosa simplex 5B, with muscular dystrophy (EBS5B). Also called: Epidermolysis bullosa simplex with muscular dystrophy; EPIDERMOLYSIS BULLOSA SIMPLEX AND LIMB-GIRDLE MUSCULAR DYSTROPHY. Identifiers: Orphanet 257, MedGen C2931072, MONDO:0009181, OMIM 226670.
Epidermolysis bullosa simplex with nail dystrophy (EBS5D). Identifiers: MedGen C4225309, MONDO:0014661, OMIM 616487.
Epidermolysis bullosa simplex 5C, with pyloric atresia (EBS5C). Also called: PLEC-Related Epidermolysis Bullosa with Pyloric Atresia; Epidermolysis bullosa simplex with pyloric atresia; PLEC1-Related Epidermolysis Bullosa with Pyloric Atresia. Identifiers: Orphanet 158684, MedGen C2677349, MONDO:0012807, OMIM 612138.
Epidermolysis bullosa simplex, Ogna type (EBS5A). Also called: Pidermolysis bullosa simplex 5A, Ogna type; EPIDERMOLYSIS BULLOSA SIMPLEX 5A, OGNA TYPE. Identifiers: Orphanet 79401, MedGen C0432317, MONDO:0007555, OMIM 131950.
Autosomal recessive limb-girdle muscular dystrophy type 2Q (LGMDR17). Also called: MUSCULAR DYSTROPHY, LIMB-GIRDLE, AUTOSOMAL RECESSIVE 17. Identifiers: Orphanet 254361, MedGen C3150989, MONDO:0013390, OMIM 613723.
Inborn genetic diseases. Identifiers: MedGen C0950123, MeSH D030342.

gnomAD v4.1: 1 of 1,584,846 alleles (0.000063%); highest among the groups gnomAD compares: Non-Finnish European, 0.000086%; no homozygotes.

Submissions (2):

Ambry Genetics
Classification: Uncertain significance for Inborn genetic diseases. Last evaluated: 2026-01-14. Review status: criteria provided, single submitter. Criteria: Ambry Variant Classification Scheme 2023. Collection method: clinical testing. Allele origin: germline.

Labcorp Genetics (formerly Invitae), Labcorp
Classification: Uncertain significance for Autosomal recessive limb-girdle muscular dystrophy type 2Q; Epidermolysis bullosa simplex, Ogna type; Epidermolysis bullosa simplex with nail dystrophy; Epidermolysis bullosa simplex 5C, with pyloric atresia; Epidermolysis bullosa simplex 5B, with muscular dystrophy. Last evaluated: 2026-01-09. Review status: criteria provided, single submitter. Criteria: Invitae Variant Classification Sherloc (09022015). Collection method: clinical testing. Allele origin: germline.
Comment: This sequence change replaces proline, which is neutral and non-polar, with serine, which is neutral and polar, at codon 3428 of the PLEC protein (p.Pro3428Ser). This variant is not present in population databases (gnomAD no frequency). This variant has not been reported in the literature in individuals affected with PLEC-related conditions. Invitae Evidence Modeling of protein sequence and biophysical properties (such as structural, functional, and spatial information, amino acid conservation, physicochemical variation, residue mobility, and thermodynamic stability) indicates that this missense variant is not expected to disrupt PLEC protein function with a negative predictive value of 80%. In summary, the available evidence is currently insufficient to determine the role of this variant in disease. Therefore, it has been classified as a Variant of Uncertain Significance.

NM_201384.3(PLEC):c.10201C>T (p.Pro3401Ser)

Gene: PLEC (plectin; minus strand). Cytogenetic location: 8q24.3.
Variant type: single nucleotide variant.
Coding change: c.10201C>T on transcript NM_201384.3 (MANE Select); coding-DNA position 10201, C replaced by T.
Protein change: p.Pro3401Ser; replaces proline 3401 with serine.
Molecular consequence: missense variant.
Genome position (GRCh38, 1-based): chr8:143,919,620, G>A on the plus strand (C>T on the coding strand, the complement: PLEC is on the minus strand). VCF-style: chr8-143919620-G-A. GRCh37 (hg19) VCF-style: chr8-144993788-G-A.
Other names: c.10282C>T (NM_000445.3); c.10282C>T, p.Pro3428Ser (NM_000445.5); c.6901C>T, p.Pro2301Ser (NM_001410941.1); c.10159C>T, p.Pro3387Ser (NM_201378.4); c.10135C>T, p.Pro3379Ser (NM_201379.3); c.10612C>T, p.Pro3538Ser (NM_201380.4); c.10105C>T, p.Pro3369Ser (NM_201381.3); c.10201C>T, p.Pro3401Ser (NM_201382.4); and 1 more; short protein forms P3428S, P2301S, P3369S, P3401S, P3405S, P3387S, P3538S, P3379S.
Identifiers: ClinVar variation 4791611 (VCV004791611.2).
Genomic context (GRCh38, chr8:143,919,620, plus strand): 5'-CGGGGCCCACCACGCCCGCCTTCACGGCCTCGTGGACATACAGGCGCTGGTTCCGCACGG[G>A]GTCCACCAGGAAGCCAGTGGCCGCCTGCGCCTCCAGCAGGAGCGCAGCCGTTGTGGCTCT-3'
Protein context (NP_958786.1, residues 3391-3411): AQAATGFLVD[Pro3401Ser]VRNQRLYVHE